The following is an entry in ClinVar:

ClinVar aggregate classification (germline): Uncertain significance (0 of 4 stars; one submission).

Conditions:
NTRK2-related disorder. Also called: NTRK2-related condition.

gnomAD v4.1: 1 of 1,613,928 alleles (0.000062%); highest among the groups gnomAD compares: East Asian, 0.0022%; no homozygotes.

Submission:

PreventionGenetics, part of Exact Sciences
Classification: Uncertain significance for NTRK2-related condition. Last evaluated: 2023-12-27. Review status: no assertion criteria provided. Collection method: clinical testing. Allele origin: germline.
Comment: The NTRK2 c.1877G>A variant is predicted to result in the amino acid substitution p.Gly626Asp. To our knowledge, this variant has not been reported in the literature or in a large population database, indicating this variant is rare. At this time, the clinical significance of this variant is uncertain due to the absence of conclusive functional and genetic evidence.

NM_006180.6(NTRK2):c.1877G>A (p.Gly626Asp)

Gene: NTRK2 (neurotrophic receptor tyrosine kinase 2; plus strand). Cytogenetic location: 9q21.33.
Variant type: single nucleotide variant.
Coding change: c.1877G>A on transcript NM_006180.6 (MANE Select); coding-DNA position 1877, G replaced by A.
Protein change: p.Gly626Asp; replaces glycine 626 with aspartic acid.
Molecular consequence: missense variant.
Genome position (GRCh38, 1-based): chr9:84,948,574, G>A. VCF-style: chr9-84948574-G-A. GRCh37 (hg19) VCF-style: chr9-87563489-G-A.
Other names: c.1829G>A, p.Gly610Asp (NM_001018064.3, NM_001369532.1, NM_001369533.1); c.1793G>A, p.Gly598Asp (NM_001369534.1); c.1361G>A, p.Gly454Asp (NM_001369535.1); c.1409G>A, p.Gly470Asp (NM_001369536.1); short protein forms G454D, G470D, G598D, G610D, G626D.
Identifiers: ClinVar variation 3349239 (VCV003349239.1).
Genomic context (GRCh38, chr9:84,948,574, plus strand): 5'-AGCTCCTGACCAACCTCCAGCATGAGCACATCGTCAAGTTCTATGGCGTCTGCGTGGAGG[G>A]CGACCCCCTCATCATGGTCTTTGAGTACATGAAGCATGGGGACCTCAACAAGTTCCTCAG-3'
Protein context (NP_006171.2, residues 616-636): IVKFYGVCVE[Gly626Asp]DPLIMVFEYM